The following is an entry in ClinVar:

ClinVar aggregate classification (germline): Uncertain significance (1 of 4 stars; one submission).

Conditions:
Cardiovascular phenotype. Identifiers: MedGen CN230736.

Submission:

Ambry Genetics
Classification: Uncertain significance for Cardiovascular phenotype. Last evaluated: 2017-07-20. Review status: criteria provided, single submitter. Criteria: Ambry Variant Classification Scheme 2023. Collection method: clinical testing. Allele origin: germline.
Comment: The c.3254_3260dupTCATCCA variant, located in coding exon 26 of the CACNA1C gene, results from a duplication of TCATCCA at nucleotide position 3254, causing a translational frameshift with a predicted alternate stop codon (p.Q1087Hfs*13). This alteration is expected to result in loss of function by premature protein truncation or nonsense-mediated mRNA decay. However, loss of function of CACNA1C has not been clearly established as a mechanism of disease. Since supporting evidence is limited at this time, the clinical significance of this alteration remains unclear.

NM_000719.7(CACNA1C):c.3254_3260dup (p.Gln1087fs)

Gene: CACNA1C (calcium voltage-gated channel subunit alpha1 C; plus strand). Cytogenetic location: 12p13.33.
Variant type: Duplication.
Coding change: c.3254_3260dup on transcript NM_000719.7 (MANE Select); coding-DNA positions 3254 to 3260, 7 bases duplicated (TCATCCA; older notation c.3254_3260dupTCATCCA).
Protein change: p.Gln1087fs; shifts the reading frame from glutamine 1087.
Molecular consequence: frameshift variant.
Genome position (GRCh38, 1-based): chr12:2,607,028-2,607,034, TCATCCA duplicated; duplicating any 7 consecutive bases within chr12:2,607,025-2,607,034 gives the same sequence; the c. name uses the placement nearest the transcript's 3' end. VCF-style (leftmost placement, unchanged base first): chr12-2607024-C-CCCATCAT. GRCh37 (hg19) VCF-style: chr12-2716190-C-CCCATCAT.
Other names: c.3314_3320dup, p.Gln1107fs (NM_001129827.2, NM_001129832.2, NM_199460.4); c.3254_3260dup, p.Gln1087fs (NM_001129829.2, NM_001129830.3, NM_001129831.2 and 15 more transcripts); c.3245_3251dup, p.Gln1084fs (NM_001129844.2); c.3254_3260dupTCATCCA (NM_000719.6); short protein forms Q1084fs, Q1087fs, Q1107fs.
Identifiers: ClinVar variation 1729444 (VCV001729444.2), dbSNP rs2518329692, ClinGen allele CA2580085118.